The following is an entry in ClinVar:

ClinVar aggregate classification (germline): Uncertain significance. Review status: criteria provided, multiple submitters, no conflicts (2 of 4 stars). 3 submissions from 3 submitters: Uncertain significance (3). Last evaluated 2025-03-04.

Conditions:
Hereditary cancer-predisposing syndrome. Also called: Neoplastic Syndromes, Hereditary; Tumor predisposition; Hereditary Cancer Syndrome; Hereditary neoplastic syndrome. Identifiers: Orphanet 140162, MedGen C0027672, MeSH D009386, MONDO:0015356.
Tumor predisposition syndrome 3 (TPDS3). Also called: Glioma susceptibility 9; LONG TELOMERE SYNDROME, POT1-RELATED; POT1 Tumor Predisposition; Melanoma, cutaneous malignant, susceptibility to, 10. Identifiers: Orphanet 618, MedGen C4014476, MONDO:0014368, OMIM 615848.

Allele frequency attached by ClinVar (database versions not stated): gnomAD exomes below 0.00001.
gnomAD v4.1: 2 of 1,611,632 alleles (0.00012%); highest among the groups gnomAD compares: Non-Finnish European, 0.00017%; no homozygotes.

Submissions (3):

Center for Genomic Medicine, Rigshospitalet, Copenhagen University Hospital
Classification: Uncertain significance. Last evaluated: 2025-03-04. Review status: criteria provided, single submitter. Criteria: ACMG Guidelines, 2015. Collection method: clinical testing. Allele origin: germline.

Ambry Genetics
Classification: Uncertain significance for Hereditary cancer-predisposing syndrome. Last evaluated: 2024-05-31. Review status: criteria provided, single submitter. Criteria: Ambry Variant Classification Scheme 2023. Collection method: clinical testing. Allele origin: germline.
Comment: The p.K581E variant (also known as c.1741A>G), located in coding exon 14 of the POT1 gene, results from an A to G substitution at nucleotide position 1741. The lysine at codon 581 is replaced by glutamic acid, an amino acid with similar properties. This amino acid position is conserved. In addition, this alteration is predicted to be tolerated by in silico analysis. Based on the available evidence, the clinical significance of this variant remains unclear.

Labcorp Genetics (formerly Invitae), Labcorp
Classification: Uncertain significance for Tumor predisposition syndrome 3. Last evaluated: 2023-11-05. Review status: criteria provided, single submitter. Criteria: Invitae Variant Classification Sherloc (09022015). Collection method: clinical testing. Allele origin: germline.
Comment: This sequence change replaces lysine, which is basic and polar, with glutamic acid, which is acidic and polar, at codon 581 of the POT1 protein (p.Lys581Glu). This variant is present in population databases (no rsID available, gnomAD 0.0009%). This variant has not been reported in the literature in individuals affected with POT1-related conditions. ClinVar contains an entry for this variant (Variation ID: 943163). Advanced modeling of protein sequence and biophysical properties (such as structural, functional, and spatial information, amino acid conservation, physicochemical variation, residue mobility, and thermodynamic stability) performed at Invitae indicates that this missense variant is not expected to disrupt POT1 protein function with a negative predictive value of 80%. In summary, the available evidence is currently insufficient to determine the role of this variant in disease. Therefore, it has been classified as a Variant of Uncertain Significance.

NM_015450.3(POT1):c.1741A>G (p.Lys581Glu)

Gene: POT1 (protection of telomeres 1; minus strand). Cytogenetic location: 7q31.33.
Variant type: single nucleotide variant.
Coding change: c.1741A>G on transcript NM_015450.3 (MANE Select); coding-DNA position 1741, A replaced by G.
Protein change: p.Lys581Glu; replaces lysine 581 with glutamic acid.
Molecular consequence: missense variant. On other transcripts: non-coding transcript variant (3).
Genome position (GRCh38, 1-based): chr7:124,825,303, T>C on the plus strand (A>G on the coding strand, the complement: POT1 is on the minus strand). VCF-style: chr7-124825303-T-C. GRCh37 (hg19) VCF-style: chr7-124465357-T-C.
Other names: c.1348A>G, p.Lys450Glu (NM_001042594.2); short protein forms K581E, K450E.
Identifiers: ClinVar variation 943163 (VCV000943163.12), dbSNP rs1327511983, ClinGen allele CA369062326.